The following is an entry in ClinVar:

NM_020778.5(ALPK3):c.4886_4887inv (p.Glu1629Ala)

Gene: ALPK3 (alpha kinase 3; plus strand). Cytogenetic location: 15q25.3.
Variant type: Inversion.
Coding change: c.4886_4887inv on transcript NM_020778.5 (MANE Select).
Protein change: p.Glu1629Ala; replaces glutamic acid 1629 with alanine.
Molecular consequence: missense variant.
Genome position: GRCh38 VCF-style: chr15-84868224-AG-CT. GRCh37 (hg19) VCF-style: chr15-85411455-AG-CT.
Other names: short protein forms E1629A.
Identifiers: ClinVar variation 3646673 (VCV003646673.2).

ClinVar aggregate classification (germline): Uncertain significance (1 of 4 stars; one submission).

Submission:

Labcorp Genetics (formerly Invitae), Labcorp
Classification: Uncertain significance. Last evaluated: 2024-03-19. Review status: criteria provided, single submitter. Criteria: Invitae Variant Classification Sherloc (09022015). Collection method: clinical testing. Allele origin: germline.
Comment: This sequence change replaces glutamic acid, which is acidic and polar, with alanine, which is neutral and non-polar, at codon 1831 of the ALPK3 protein (p.Glu1831Ala). Information on the frequency of this variant in the gnomAD database is not available, as this variant may be reported differently in the database. This variant has not been reported in the literature in individuals affected with ALPK3-related conditions. An algorithm developed to predict the effect of missense changes on protein structure and function (PolyPhen-2) suggests that this variant is likely to be disruptive. In summary, the available evidence is currently insufficient to determine the role of this variant in disease. Therefore, it has been classified as a Variant of Uncertain Significance.